The following is an entry in ClinVar:

ClinVar aggregate classification (germline): Likely benign. Review status: criteria provided, multiple submitters, no conflicts (2 of 4 stars). 3 submissions from 3 submitters: Likely benign (3). Last evaluated 2025-01-12.

Conditions:
Neuropathy, hereditary sensory and autonomic, type 2A (HSAN2A). Also called: HSAN IIA; ACROOSTEOLYSIS, GIACCAI TYPE; ACROOSTEOLYSIS, NEUROGENIC; MORVAN DISEASE; NEUROPATHY, CONGENITAL SENSORY; NEUROPATHY, HEREDITARY SENSORY RADICULAR, AUTOSOMAL RECESSIVE. Identifiers: Orphanet 970, MedGen C2752089, MONDO:0024309, OMIM 201300.
Generalized epilepsy with febrile seizures plus, type 7 (GEFSP7). Also called: GEFS+, TYPE 7. Identifiers: Orphanet 36387, MedGen C2751778, MONDO:0013470, OMIM 613863.
Inborn genetic diseases. Identifiers: MedGen C0950123, MeSH D030342.

Submissions (3):

Labcorp Genetics (formerly Invitae), Labcorp
Classification: Likely benign for Neuropathy, hereditary sensory and autonomic, type 2A; Generalized epilepsy with febrile seizures plus, type 7. Last evaluated: 2025-01-12. Review status: criteria provided, single submitter. Criteria: Invitae Variant Classification Sherloc (09022015). Collection method: clinical testing. Allele origin: germline.

Ambry Genetics
Classification: Likely benign for Inborn genetic diseases. Last evaluated: 2019-07-11. Review status: criteria provided, single submitter. Criteria: Ambry Variant Classification Scheme 2023. Collection method: clinical testing. Allele origin: germline.

GeneDx
Classification: Likely benign. Last evaluated: 2016-09-16. Review status: criteria provided, single submitter. Criteria: GeneDx Variant Classification (06012015). Collection method: clinical testing. Allele origin: germline. Affected: yes.
Comment: This variant is considered likely benign or benign based on one or more of the following criteria: it is a conservative change, it occurs at a poorly conserved position in the protein, it is predicted to be benign by multiple in silico algorithms, and/or has population frequency not consistent with disease.

NM_001365536.1(SCN9A):c.4141C>A (p.Arg1381=)

Genes: SCN9A (sodium voltage-gated channel alpha subunit 9; minus strand), SCN1A-AS1 (SCN1A and SCN9A antisense RNA 1; plus strand). Cytogenetic location: 2q24.3.
Variant type: single nucleotide variant.
Coding change: c.4141C>A on transcript NM_001365536.1 (MANE Select); coding-DNA position 4141, C replaced by A.
Protein change: p.Arg1381=; no amino-acid change (arginine 1381 retained).
Molecular consequence: synonymous variant.
Genome position (GRCh38, 1-based): chr2:166,228,756, G>T on the plus strand (C>A on the coding strand, the complement: SCN9A is on the minus strand). VCF-style: chr2-166228756-G-T. GRCh37 (hg19) VCF-style: chr2-167085266-G-T.
Other names: c.4108C>A, p.Arg1370= (NM_002977.4).
Identifiers: ClinVar variation 389306 (VCV000389306.9), dbSNP rs748159444, ClinGen allele CA16603952.
Genomic context (GRCh38, chr2:166,228,756, plus strand): 5'-GAAGCAGAGATAGGTAACCAAGTCCGACATTATCAAAGTTCACTTTCAGGTTTTTCCATC[G>T]CACATTTTGACTAACATTCATAAGGGCAAAACATTCGGAACGATTTGGAACTTGACTTGC-3'
Protein context (NP_001352465.1, residues 1371-1391): FALMNVSQNV[Arg1381=]WKNLKVNFDN